The following is an entry in ClinVar:

ClinVar aggregate classification (germline): Benign (1 of 4 stars; one submission).

Conditions:
Essential fructosuria. Also called: KETOHEXOKINASE DEFICIENCY; HEPATIC FRUCTOKINASE DEFICIENCY. Identifiers: Orphanet 2056, MedGen C0268160, MONDO:0009252, OMIM 229800.

Allele frequency attached by ClinVar (database versions not stated): gnomAD exomes 0.00429 and 0.00157; ESP Exome Variant Server 0.01752; TOPMed 0.02048; ExAC 0.00671; gnomAD 0.01932 and 0.02073; 1000 Genomes Project 0.01977; 1000 Genomes Project 30x 0.02233.
gnomAD v4.1: 4,802 of 1,289,864 alleles (0.37%); highest among the groups gnomAD compares: African/African-American, 6.5%; 164 homozygotes.

Submission:

Illumina Laboratory Services, Illumina
Classification: Benign for Essential fructosuria. Last evaluated: 2018-01-13. Review status: criteria provided, single submitter. Criteria: ICSL Variant Classification Criteria 13 December 2019. Collection method: clinical testing. Allele origin: germline.
Comment: This variant was observed in the ICSL laboratory as part of a predisposition screen in an ostensibly healthy population. It had not been previously curated by ICSL or reported in the Human Gene Mutation Database (HGMD: prior to June 1st, 2018), and was therefore a candidate for classification through an automated scoring system. Utilizing variant allele frequency, disease prevalence and penetrance estimates, and inheritance mode, an automated score was calculated to assess if this variant is too frequent to cause the disease. Based on the score and internal cut-off values, a variant classified as benign is not then subjected to further curation. The score for this variant resulted in a classification of benign for this disease.

NM_006488.3(KHK):c.*806G>A

Genes: CGREF1 (cell growth regulator with EF-hand domain 1; minus strand), KHK (ketohexokinase; plus strand). Cytogenetic location: 2p23.3.
Variant type: single nucleotide variant.
Coding change: c.*806G>A on transcript NM_006488.3 (MANE Select); 806 bases downstream of the stop codon, G replaced by A.
Molecular consequence: 3 prime UTR variant. On other transcripts: intron variant (2).
Genome position (GRCh38, 1-based): chr2:27,100,556, G>A. VCF-style: chr2-27100556-G-A. GRCh37 (hg19) VCF-style: chr2-27323424-G-A.
Other names: c.*806G>A (NM_000221.3); c.287-14C>T (NM_001301324.2); c.343-716C>T (NM_001166240.2).
Identifiers: ClinVar variation 335517 (VCV000335517.7), dbSNP rs113859516, ClinGen allele CA1569532.